The following is an entry in ClinVar:

NM_014230.4(SRP68):c.43GGCAGTGGCGGCGGCGGT[1] (p.15GSGGGG[1])

Genes: SRP68 (signal recognition particle 68; minus strand), GALR2 (galanin receptor 2; plus strand). Cytogenetic location: 17q25.1.
Variant type: Microsatellite.
Coding change: c.43GGCAGTGGCGGCGGCGGT[1] on transcript NM_014230.4 (MANE Select); one copy of the 18-base unit GGCAGTGGCGGCGGCGGT starting at c.43; the reference has two copies in a row; one copy, 18 bases deleted.
Protein change: p.15GSGGGG[1].
Molecular consequence: inframe deletion. On other transcripts: non-coding transcript variant (1).
Genome position (GRCh38, 1-based): chr17:76,072,414-76,072,431, ACCGCCGCCGCCACTGCC deleted on the plus strand (GGCAGTGGCGGCGGCGGT on the coding strand, the reverse complement: SRP68 is on the minus strand); deleting any 18 consecutive bases within chr17:76,072,414-76,072,449 gives the same sequence; the position shown is the placement nearest the transcript's 3' end. VCF-style (leftmost placement, unchanged base first): chr17-76072413-TACCGCCGCCGCCACTGCC-T. GRCh37 (hg19) VCF-style: chr17-74068494-TACCGCCGCCGCCACTGCC-T.
Other names: c.43GGCAGTGGCGGCGGCGGT[1], p.15GSGGGG[1] (NM_001260502.2).
Identifiers: ClinVar variation 4981563 (VCV004981563.1).
Genomic context (GRCh38, chr17:76,072,413, plus strand): 5'-CGGCCGAAGGGCGTTCGTTTTCTTTATTTTCTTCCCCTCCGGCACCACGTCCACCGCCGC[TACCGCCGCCGCCACTGCC>T]ACCGCCGCCGCCACTGCCGCCGCCGCCGCCGCCGCCTGGGACCTGCTTCTCAGCAGCCAT-3'

ClinVar aggregate classification (germline): Likely benign (1 of 4 stars; one submission).

Conditions:
SRP68-related condition.

Submission:

PreventionGenetics, part of Exact Sciences
Classification: Likely benign for SRP68-related condition. Last evaluated: 2026-06-22. Review status: criteria provided, single submitter. Criteria: ACMG Guidelines, 2015. Collection method: clinical testing. Allele origin: germline.
Comment: This variant is classified as likely benign based on ACMG/AMP sequence variant interpretation guidelines (Richards et al. 2015 PMID: 25741868, with internal and published modifications).